The following is an entry in ClinVar:

NM_025243.4(SLC19A3):c.472G>A (p.Ala158Thr)

Gene: SLC19A3 (solute carrier family 19 member 3; minus strand). Cytogenetic location: 2q36.3.
Variant type: single nucleotide variant.
Coding change: c.472G>A on transcript NM_025243.4 (MANE Select); coding-DNA position 472, G replaced by A.
Protein change: p.Ala158Thr; replaces alanine 158 with threonine.
Molecular consequence: missense variant.
Genome position (GRCh38, 1-based): chr2:227,699,243, C>T on the plus strand (G>A on the coding strand, the complement: SLC19A3 is on the minus strand). VCF-style: chr2-227699243-C-T. GRCh37 (hg19) VCF-style: chr2-228563959-C-T.
Other names: c.472G>A, p.Ala158Thr (NM_001371411.1, NM_001371412.1); c.460G>A, p.Ala154Thr (NM_001371413.1, NM_001371414.1); short protein forms A154T, A158T.
Identifiers: ClinVar variation 1310763 (VCV001310763.2), dbSNP rs2106329144, ClinGen allele CA350877151.

ClinVar aggregate classification (germline): Uncertain significance (1 of 4 stars; one submission).

Submission:

GeneDx
Classification: Uncertain significance. Last evaluated: 2020-01-13. Review status: criteria provided, single submitter. Criteria: GeneDx Variant Classification Process June 2021. Collection method: clinical testing. Allele origin: germline. Affected: yes.
Comment: Not observed at a significant frequency in large population cohorts (Lek et al., 2016); In silico analysis, which includes protein predictors and evolutionary conservation, supports that this variant does not alter protein structure/function; Has not been previously published as pathogenic or benign to our knowledge